The following is an entry in ClinVar:

ClinVar aggregate classification (germline): Uncertain significance (1 of 4 stars; one submission).

Conditions:
PLXNA4-related disorder. Also called: PLXNA4-related condition.

Submission:

PreventionGenetics, part of Exact Sciences
Classification: Uncertain significance for PLXNA4-related condition. Last evaluated: 2024-11-24. Review status: criteria provided, single submitter. Criteria: ACMG Guidelines, 2015. Collection method: clinical testing. Allele origin: germline.
Comment: The PLXNA4 c.3106T>G variant is predicted to result in the amino acid substitution p.Tyr1036Asp. To our knowledge, this variant has not been reported in the literature or in a large population database (gnomAD), indicating this variant is rare. At this time, the clinical significance of this variant is uncertain due to the absence of conclusive functional and genetic evidence.

NM_020911.2(PLXNA4):c.3106T>G (p.Tyr1036Asp)

Gene: PLXNA4 (plexin A4; minus strand). Cytogenetic location: 7q32.3.
Variant type: single nucleotide variant.
Coding change: c.3106T>G on transcript NM_020911.2 (MANE Select); coding-DNA position 3106, T replaced by G.
Protein change: p.Tyr1036Asp; replaces tyrosine 1036 with aspartic acid.
Molecular consequence: missense variant.
Genome position (GRCh38, 1-based): chr7:132,185,351, A>C on the plus strand (T>G on the coding strand, the complement: PLXNA4 is on the minus strand). VCF-style: chr7-132185351-A-C. GRCh37 (hg19) VCF-style: chr7-131870110-A-C.
Other names: c.3106T>G, p.Tyr1036Asp (NM_001393897.1); short protein forms Y1036D.
Identifiers: ClinVar variation 4998767 (VCV004998767.1).